The following is an entry in ClinVar:

NM_006017.3(PROM1):c.1078-3del

Gene: PROM1 (prominin 1; minus strand). Cytogenetic location: 4p15.32.
Variant type: Deletion.
Coding change: c.1078-3del on transcript NM_006017.3 (MANE Select); 3 bases into the intron before coding-DNA position 1078, one base deleted (C; older notation c.1078-3delC).
Molecular consequence: intron variant.
Genome position (GRCh38, 1-based): chr4:16,013,341, G deleted on the plus strand (C on the coding strand, the reverse complement: PROM1 is on the minus strand). VCF-style (leftmost placement, unchanged base first): chr4-16013340-TG-T. GRCh37 (hg19) VCF-style: chr4-16014963-TG-T.
Other names: c.1051-3del (NM_001145848.2, NM_001145852.2, NM_001145847.2 and 4 more transcripts); c.1078-3del (NM_001145850.2, NM_001145849.2).
Identifiers: ClinVar variation 1932868 (VCV001932868.5), dbSNP rs1299158990, ClinGen allele CA549885474.

ClinVar aggregate classification (germline): Uncertain significance (1 of 4 stars; one submission).

Allele frequency attached by ClinVar (database versions not stated): gnomAD exomes below 0.00001.

Submission:

Labcorp Genetics (formerly Invitae), Labcorp
Classification: Uncertain significance. Last evaluated: 2024-01-15. Review status: criteria provided, single submitter. Criteria: Invitae Variant Classification Sherloc (09022015). Collection method: clinical testing. Allele origin: germline.
Comment: This sequence change falls in intron 9 of the PROM1 gene. It does not directly change the encoded amino acid sequence of the PROM1 protein. It affects a nucleotide within the consensus splice site. This variant is present in population databases (no rsID available, gnomAD 0.0009%). This variant has not been reported in the literature in individuals affected with PROM1-related conditions. ClinVar contains an entry for this variant (Variation ID: 1932868). Variants that disrupt the consensus splice site are a relatively common cause of aberrant splicing (PMID: 17576681, 9536098). Algorithms developed to predict the effect of sequence changes on RNA splicing suggest that this variant is not likely to affect RNA splicing. In summary, the available evidence is currently insufficient to determine the role of this variant in disease. Therefore, it has been classified as a Variant of Uncertain Significance.

Literature cited by the submitters: PubMed 17576681; PubMed 9536098.